The following is an entry in ClinVar:

NM_001849.4(COL6A2):c.1553C>G (p.Pro518Arg)

Gene: COL6A2 (collagen type VI alpha 2 chain; plus strand). Cytogenetic location: 21q22.3.
Variant type: single nucleotide variant.
Coding change: c.1553C>G on transcript NM_001849.4 (MANE Select); coding-DNA position 1553, C replaced by G.
Protein change: p.Pro518Arg; replaces proline 518 with arginine.
Molecular consequence: missense variant.
Genome position (GRCh38, 1-based): chr21:46,122,139, C>G. VCF-style: chr21-46122139-C-G. GRCh37 (hg19) VCF-style: chr21-47542053-C-G.
Other names: c.1553C>G, p.Pro518Arg (NM_058174.3, NM_058175.3); short protein forms P518R.
Identifiers: ClinVar variation 930819 (VCV000930819.3), dbSNP rs755451399, ClinGen allele CA10071972.

ClinVar aggregate classification (germline): Uncertain significance (1 of 4 stars; one submission).

Conditions:
Myosclerosis. Also called: MYOPATHY, MYOSCLEROTIC; MYOSCLEROSIS, CONGENITAL, OF LOWENTHAL; Myosclerosis, congenital. Identifiers: Orphanet 289380, MedGen C1850671, MONDO:0009714, OMIM 255600.

Allele frequency attached by ClinVar (database versions not stated): gnomAD exomes below 0.00001; ExAC 0.00001.

Submission:

Centre for Mendelian Genomics, University Medical Centre Ljubljana
Classification: Uncertain significance for Myosclerosis. Last evaluated: 2019-11-21. Review status: criteria provided, single submitter. Criteria: ACMG Guidelines, 2015. Collection method: clinical testing. Allele origin: unknown. Affected: yes.
Comment: This variant was classified as: Uncertain significance. The available evidence on this variant's pathogenicity is insufficient or conflicting. The following ACMG criteria were applied in classifying this variant: PP3.